The following is an entry in ClinVar:

NM_001122769.3(LCA5):c.693G>T (p.Lys231Asn)

Gene: LCA5 (lebercilin LCA5; minus strand). Cytogenetic location: 6q14.1.
Variant type: single nucleotide variant.
Coding change: c.693G>T on transcript NM_001122769.3 (MANE Select); coding-DNA position 693, G replaced by T.
Protein change: p.Lys231Asn; replaces lysine 231 with asparagine.
Molecular consequence: missense variant.
Genome position (GRCh38, 1-based): chr6:79,513,239, C>A on the plus strand (G>T on the coding strand, the complement: LCA5 is on the minus strand). VCF-style: chr6-79513239-C-A. GRCh37 (hg19) VCF-style: chr6-80222956-C-A.
Other names: c.693G>T, p.Lys231Asn (NM_181714.4); short protein forms K231N.
Identifiers: ClinVar variation 1964001 (VCV001964001.5), dbSNP rs2533438115, ClinGen allele CA364628175.
Genomic context (GRCh38, chr6:79,513,239, plus strand): 5'-AGAAAGTACAATTAGAAGCTGTAGAAATTGTACCTTAATTCTTCTCTCGGTGTCATCTAA[C>A]TTTAACTCTGCTGAAACTAGTTTCTTTGCCAAATCATCTCGTTCAGGTAGGTGTCTAGCT-3'
Protein context (NP_001116241.1, residues 221-241): LAKKLVSAEL[Lys231Asn]LDDTERRIKE

ClinVar aggregate classification (germline): Uncertain significance (1 of 4 stars; one submission).

Submission:

Labcorp Genetics (formerly Invitae), Labcorp
Classification: Uncertain significance. Last evaluated: 2022-04-19. Review status: criteria provided, single submitter. Criteria: Invitae Variant Classification Sherloc (09022015). Collection method: clinical testing. Allele origin: germline.
Comment: This variant is not present in population databases (gnomAD no frequency). This variant has not been reported in the literature in individuals affected with LCA5-related conditions. Algorithms developed to predict the effect of missense changes on protein structure and function are either unavailable or do not agree on the potential impact of this missense change (SIFT: "Deleterious"; PolyPhen-2: "Probably Damaging"; Align-GVGD: "Class C0"). In summary, the available evidence is currently insufficient to determine the role of this variant in disease. Therefore, it has been classified as a Variant of Uncertain Significance. This sequence change replaces lysine, which is basic and polar, with asparagine, which is neutral and polar, at codon 231 of the LCA5 protein (p.Lys231Asn).